The following is an entry in ClinVar:

ClinVar aggregate classification (germline): Uncertain significance. Review status: criteria provided, multiple submitters, no conflicts (2 of 4 stars). 2 submissions from 2 submitters: Uncertain significance (2). Last evaluated 2020-09-08.

Conditions:
Long QT syndrome 1 (LQT1). Identifiers: Orphanet 101016, Orphanet 768, MedGen C4551647, MONDO:0100316, OMIM 192500, MONDO:0008646.
Long QT syndrome (LQTS). Identifiers: MedGen C0023976, MeSH D008133, MONDO:0002442. Disease mechanism: loss of function. Inheritance: Various modes of inheritance.

Allele frequency attached by ClinVar (database versions not stated): gnomAD exomes 0.00001 and 0.00003; TOPMed 0.00002; gnomAD 0.00003.
gnomAD v4.1: 43 of 1,613,984 alleles (0.0027%); highest among the groups gnomAD compares: Non-Finnish European, 0.0036%; no homozygotes.

Submissions (2):

Labcorp Genetics (formerly Invitae), Labcorp
Classification: Uncertain significance for Long QT syndrome. Last evaluated: 2020-09-08. Review status: criteria provided, single submitter. Criteria: Invitae Variant Classification Sherloc (09022015). Collection method: clinical testing. Allele origin: germline.
Comment: This sequence change replaces aspartic acid with asparagine at codon 3483 of the ANK2 protein (p.Asp3483Asn). The aspartic acid residue is moderately conserved and there is a small physicochemical difference between aspartic acid and asparagine. This variant is not present in population databases (ExAC no frequency). This variant has not been reported in the literature in individuals with ANK2-related conditions. Algorithms developed to predict the effect of missense changes on protein structure and function are either unavailable or do not agree on the potential impact of this missense change (SIFT: "Tolerated"; PolyPhen-2: "Probably Damaging"; Align-GVGD: "Class C0"). In summary, the available evidence is currently insufficient to determine the role of this variant in disease. Therefore, it has been classified as a Variant of Uncertain Significance.

Molecular Diagnostic Laboratory for Inherited Cardiovascular Disease, Montreal Heart Institute
Classification: Uncertain significance for Long QT syndrome 1. Last evaluated: 2019-12-18. Review status: criteria provided, single submitter. Criteria: ACMG Guidelines, 2015. Collection method: clinical testing. Allele origin: germline. Affected: yes.

NM_001148.6(ANK2):c.10447G>A (p.Asp3483Asn)

Gene: ANK2 (ankyrin 2; plus strand). Cytogenetic location: 4q26.
Variant type: single nucleotide variant.
Coding change: c.10447G>A on transcript NM_001148.6 (MANE Select); coding-DNA position 10447, G replaced by A.
Protein change: p.Asp3483Asn; replaces aspartic acid 3483 with asparagine.
Molecular consequence: missense variant. On other transcripts: intron variant (68).
Genome position (GRCh38, 1-based): chr4:113,359,065, G>A. VCF-style: chr4-113359065-G-A. GRCh37 (hg19) VCF-style: chr4-114280221-G-A.
Other names: c.10213G>A, p.Asp3405Asn (NM_001386142.1); c.6847G>A, p.Asp2283Asn (NM_001386166.1); c.10588G>A, p.Asp3530Asn (NM_001386174.1); c.10564G>A, p.Asp3522Asn (NM_001386175.1); c.4412-1758G>A (NM_001386186.2, NM_001386148.2); c.4214-1758G>A (NM_001354269.3); c.4292-1758G>A (NM_001386187.2); c.4253-1758G>A (NM_001386147.1); and 35 more; short protein forms D2283N, D3405N, D3483N, D3522N, D3530N.
Identifiers: ClinVar variation 978368 (VCV000978368.5), dbSNP rs1323284534, ClinGen allele CA357940440.
Genomic context (GRCh38, chr4:113,359,065, plus strand): 5'-AGTAAGGAGCATTTCTTTGACCTTTACAGAAATTCCATAGAATTCTTTGAGGAGATTAGT[G>A]ATGAGGCTTCCAAATTAGTGGATAGGCTGACACAGTCAGAGAGGGAGCAGGAAATAGTTT-3'
Protein context (NP_001139.3, residues 3473-3493): NSIEFFEEIS[Asp3483Asn]EASKLVDRLT